The following is an entry in ClinVar:

ClinVar aggregate classification (germline): Uncertain significance (1 of 4 stars; one submission).

Conditions:
Hypertrophic cardiomyopathy. Also called: HYPERTROPHIC MYOCARDIOPATHY. Identifiers: Orphanet 217569, MedGen C0007194, MeSH D002312, MONDO:0005045, HP:0001639.

Submission:

All of Us Research Program, National Institutes of Health
Classification: Uncertain significance for Hypertrophic cardiomyopathy. Last evaluated: 2024-06-09. Review status: criteria provided, single submitter. Criteria: ACMG Guidelines, 2015. Collection method: clinical testing. Allele origin: germline. Inheritance: Autosomal dominant inheritance. Observed: 1 variant allele, 1 heterozygote.
Comment: This missense variant replaces asparagine with aspartic acid at codon 143 of the MYBPC3 protein. Computational prediction suggests that this variant may not impact protein structure and function (internally defined REVEL score threshold <= 0.5, PMID: 27666373). To our knowledge, functional studies have not been reported for this variant. This variant has not been reported in individuals affected with MYBPC3-related disorders in the literature. This variant has not been identified in the general population by the Genome Aggregation Database (gnomAD). The available evidence is insufficient to determine the role of this variant in disease conclusively. Therefore, this variant is classified as a Variant of Uncertain Significance.

This study involves interpretation of variants in research participants for the purpose of population health screening. Participant phenotype was not available at the time of variant classification. Additional details can be found in publication PMID: 35346344, PMCID: PMC8962531

NM_000256.3(MYBPC3):c.427A>G (p.Asn143Asp)

Gene: MYBPC3 (myosin binding protein C3; minus strand). Cytogenetic location: 11p11.2.
Variant type: single nucleotide variant.
Coding change: c.427A>G on transcript NM_000256.3 (MANE Select); coding-DNA position 427, A replaced by G.
Protein change: p.Asn143Asp; replaces asparagine 143 with aspartic acid.
Molecular consequence: missense variant.
Genome position (GRCh38, 1-based): chr11:47,350,092, T>C on the plus strand (A>G on the coding strand, the complement: MYBPC3 is on the minus strand). VCF-style: chr11-47350092-T-C. GRCh37 (hg19) VCF-style: chr11-47371643-T-C.
Other names: short protein forms N143D.
Identifiers: ClinVar variation 3387147 (VCV003387147.1).